The following is an entry in ClinVar:

ClinVar aggregate classification (germline): Likely pathogenic (1 of 4 stars; one submission).

Conditions:
IMPG2-related disorder. Also called: IMPG2-related condition.

Submission:

PreventionGenetics, part of Exact Sciences
Classification: Likely pathogenic for IMPG2-related condition. Last evaluated: 2025-09-18. Review status: criteria provided, single submitter. Criteria: ACMG Guidelines, 2015. Collection method: clinical testing. Allele origin: germline.
Comment: The IMPG2 c.221_222delAG variant is predicted to result in a frameshift and premature protein termination (p.Gln74Leufs*13). To our knowledge, this variant has not been previously reported in the literature in association with disease. This variant is reported in 0.0033% of alleles in individuals of South Asian descent in gnomAD. Frameshift variants in IMPG2 are expected to be pathogenic. This variant is interpreted as likely pathogenic.

NM_016247.4(IMPG2):c.221_222del (p.Gln74fs)

Gene: IMPG2 (interphotoreceptor matrix proteoglycan 2; minus strand). Cytogenetic location: 3q12.3.
Variant type: Deletion.
Coding change: c.221_222del on transcript NM_016247.4 (MANE Select); coding-DNA positions 221 to 222, 2 bases deleted (AG; older notation c.221_222delAG).
Protein change: p.Gln74fs; shifts the reading frame from glutamine 74.
Molecular consequence: frameshift variant.
Genome position (GRCh38, 1-based): chr3:101,319,696-101,319,697, CT deleted on the plus strand (AG on the coding strand, the reverse complement: IMPG2 is on the minus strand). VCF-style (leftmost placement, unchanged base first): chr3-101319695-ACT-A. GRCh37 (hg19) VCF-style: chr3-101038539-ACT-A.
Other names: short protein forms Q74fs.
Identifiers: ClinVar variation 4996223 (VCV004996223.1).